The following is an entry in ClinVar:

ClinVar aggregate classification (germline): Uncertain significance (1 of 4 stars; one submission).

Conditions:
Charcot-Marie-Tooth disease axonal type 2O. Also called: Charcot-Marie-Tooth disease, axonal, type 20; CHARCOT-MARIE-TOOTH NEUROPATHY, AXONAL, TYPE 2O; CHARCOT-MARIE-TOOTH DISEASE, AXONAL, AUTOSOMAL DOMINANT, TYPE 2O; Charcot-Marie-Tooth Neuropathy Type 2O. Identifiers: Orphanet 284232, MedGen C3280220, MONDO:0013644, OMIM 614228.

Submission:

Labcorp Genetics (formerly Invitae), Labcorp
Classification: Uncertain significance for Charcot-Marie-Tooth disease axonal type 2O. Last evaluated: 2025-07-21. Review status: criteria provided, single submitter. Criteria: Invitae Variant Classification Sherloc (09022015). Collection method: clinical testing. Allele origin: germline.
Comment: This sequence change replaces methionine, which is neutral and non-polar, with threonine, which is neutral and polar, at codon 3601 of the DYNC1H1 protein (p.Met3601Thr). This variant is not present in population databases (gnomAD no frequency). This variant has not been reported in the literature in individuals affected with DYNC1H1-related conditions. ClinVar contains an entry for this variant (Variation ID: 2111544). Invitae Evidence Modeling of protein sequence and biophysical properties (such as structural, functional, and spatial information, amino acid conservation, physicochemical variation, residue mobility, and thermodynamic stability) indicates that this missense variant is not expected to disrupt DYNC1H1 protein function with a negative predictive value of 95%. In summary, the available evidence is currently insufficient to determine the role of this variant in disease. Therefore, it has been classified as a Variant of Uncertain Significance.

NM_001376.5(DYNC1H1):c.10802T>C (p.Met3601Thr)

Gene: DYNC1H1 (dynein cytoplasmic 1 heavy chain 1; plus strand). Cytogenetic location: 14q32.31.
Variant type: single nucleotide variant.
Coding change: c.10802T>C on transcript NM_001376.5 (MANE Select); coding-DNA position 10802, T replaced by C.
Protein change: p.Met3601Thr; replaces methionine 3601 with threonine.
Molecular consequence: missense variant.
Genome position (GRCh38, 1-based): chr14:102,036,536, T>C. VCF-style: chr14-102036536-T-C. GRCh37 (hg19) VCF-style: chr14-102502873-T-C.
Other names: short protein forms M3601T.
Identifiers: ClinVar variation 2111544 (VCV002111544.4), dbSNP rs199735285, ClinGen allele CA266972283.
Genomic context (GRCh38, chr14:102,036,536, plus strand): 5'-GCCTCATCCTCAGGTATCCGCTGATCATTGACCCCTCTGGACAGGCCACAGAATTCATTA[T>C]GAATGAATATAAGGATCGTAAGATCACACGGACCAGCTTCCTGGATGACGCCTTCAGAAA-3'
Protein context (NP_001367.2, residues 3591-3611): DPSGQATEFI[Met3601Thr]NEYKDRKITR